The following is an entry in ClinVar:

ClinVar aggregate classification (germline): Uncertain significance (1 of 4 stars; one submission).

Submission:

GeneDx
Classification: Uncertain significance. Last evaluated: 2023-02-23. Review status: criteria provided, single submitter. Criteria: GeneDx Variant Classification Process June 2021. Collection method: clinical testing. Allele origin: germline. Affected: yes.
Comment: Not observed at significant frequency in large population cohorts (gnomAD); In silico analysis supports that this missense variant does not alter protein structure/function; Has not been previously published as pathogenic or benign to our knowledge

NM_032229.3(SLITRK6):c.1418T>C (p.Val473Ala)

Gene: SLITRK6 (SLIT and NTRK like family member 6; minus strand). Cytogenetic location: 13q31.1.
Variant type: single nucleotide variant.
Coding change: c.1418T>C on transcript NM_032229.3 (MANE Select); coding-DNA position 1418, T replaced by C.
Protein change: p.Val473Ala; replaces valine 473 with alanine.
Molecular consequence: missense variant.
Genome position (GRCh38, 1-based): chr13:85,795,091, A>G on the plus strand (T>C on the coding strand, the complement: SLITRK6 is on the minus strand). VCF-style: chr13-85795091-A-G. GRCh37 (hg19) VCF-style: chr13-86369226-A-G.
Other names: short protein forms V473A.
Identifiers: ClinVar variation 2577657 (VCV002577657.1), dbSNP rs1874667491, ClinGen allele CA388375704.